The following is an entry in ClinVar:

ClinVar aggregate classification (germline): Pathogenic (1 of 4 stars; one submission).

Submission:

Athena Diagnostics
Classification: Pathogenic. Last evaluated: 2022-10-11. Review status: criteria provided, single submitter. Criteria: Athena Diagnostics Criteria. Collection method: clinical testing. Allele origin: unknown.
Comment: This variant has been identified in at least one individual with Alzheimer disease. This variant was not reported in large, multi-ethnic, general populations. At least one other missense variant at this codon is considered to be pathogenic or likely pathogenic, suggesting this variant may also cause disease. Assessment of experimental evidence suggests this variant results in abnormal protein function. See PMID: 15663477, 20049724, 26280335, 27930341, 31416668.

Literature cited by the submitters: PubMed 20049724; PubMed 27930341; PubMed 31416668; PubMed 31914229; PubMed 34918018; PubMed 25595498; PubMed 23638752; PubMed 10533070; PubMed 15663477; PubMed 26280335; PubMed 26888304.

NM_000021.4(PSEN1):c.697A>C (p.Met233Leu)

Gene: PSEN1 (presenilin 1; plus strand). Cytogenetic location: 14q24.2.
Variant type: single nucleotide variant.
Coding change: c.697A>C on transcript NM_000021.4 (MANE Select); coding-DNA position 697, A replaced by C.
Protein change: p.Met233Leu; replaces methionine 233 with leucine.
Molecular consequence: missense variant.
Genome position (GRCh38, 1-based): chr14:73,192,792, A>C. VCF-style: chr14-73192792-A-C. GRCh37 (hg19) VCF-style: chr14-73659500-A-C.
Other names: c.685A>C, p.Met229Leu (NM_007318.3); short protein forms M229L, M233L.
Identifiers: ClinVar variation 2684317 (VCV002684317.1), dbSNP rs63751287, ClinGen allele CA390299690.